The following is an entry in ClinVar:

NM_020884.7(MYH7B):c.2177G>A (p.Arg726Gln)

Gene: MYH7B (myosin heavy chain 7B; plus strand). Cytogenetic location: 20q11.22.
Variant type: single nucleotide variant.
Coding change: c.2177G>A on transcript NM_020884.7 (MANE Select); coding-DNA position 2177, G replaced by A.
Protein change: p.Arg726Gln; replaces arginine 726 with glutamine.
Molecular consequence: missense variant.
Genome position (GRCh38, 1-based): chr20:34,991,115, G>A. VCF-style: chr20-34991115-G-A. GRCh37 (hg19) VCF-style: chr20-33578918-G-A.
Other names: short protein forms R726Q.
Identifiers: ClinVar variation 2156591 (VCV002156591.4), dbSNP rs200010023, ClinGen allele CA9827253.

ClinVar aggregate classification (germline): Uncertain significance (1 of 4 stars; one submission).

Allele frequency attached by ClinVar (database versions not stated): gnomAD 0.00005; ESP Exome Variant Server 0.00008; TOPMed 0.00009; ExAC 0.00025; 1000 Genomes Project 0.00040; 1000 Genomes Project 30x 0.00047.
gnomAD v4.1: 148 of 1,604,378 alleles (0.0092%); highest among the groups gnomAD compares: South Asian, 0.085%; 1 homozygote.

Submission:

Labcorp Genetics (formerly Invitae), Labcorp
Classification: Uncertain significance. Last evaluated: 2022-08-01. Review status: criteria provided, single submitter. Criteria: Invitae Variant Classification Sherloc (09022015). Collection method: clinical testing. Allele origin: germline.
Comment: In summary, the available evidence is currently insufficient to determine the role of this variant in disease. Therefore, it has been classified as a Variant of Uncertain Significance. Algorithms developed to predict the effect of missense changes on protein structure and function are either unavailable or do not agree on the potential impact of this missense change (SIFT: "Deleterious"; PolyPhen-2: "Benign"; Align-GVGD: "Class C35"). This variant has not been reported in the literature in individuals affected with MYH7B-related conditions. This variant is present in population databases (rs200010023, gnomAD 0.2%), and has an allele count higher than expected for a pathogenic variant. This sequence change replaces arginine, which is basic and polar, with glutamine, which is neutral and polar, at codon 768 of the MYH7B protein (p.Arg768Gln).